The following is an entry in ClinVar:

NC_000020.10:g.(?_62065192)_(62071475_?)del

Gene: KCNQ2 (potassium voltage-gated channel subfamily Q member 2; minus strand). Cytogenetic location: 20q13.33.
Variant type: Deletion.
Identifiers: ClinVar variation 3248259 (VCV003248259.1).

ClinVar aggregate classification (germline): Likely pathogenic (1 of 4 stars; one submission).

Conditions:
Developmental and epileptic encephalopathy. Identifiers: MedGen C5779964, MONDO:0100620.

Submission:

Labcorp Genetics (formerly Invitae), Labcorp
Classification: Likely pathogenic for Early-infantile DEE. Last evaluated: 2018-09-13. Review status: criteria provided, single submitter. Criteria: Invitae Variant Classification Sherloc (09022015). Collection method: clinical testing. Allele origin: unknown.
Comment: Loss-of-function variants in KCNQ2 are known to be pathogenic (PMID: 14534157, 23692823, 25951140, 25959266, 26758118, 27779742). In summary, the currently available evidence indicates that the variant is pathogenic, but additional data are needed to prove that conclusively. Therefore, this variant has been classified as Likely Pathogenic. This variant has not been reported in the literature in individuals with KCNQ2-related disease. This variant is a gross deletion of the genomic region encompassing exons 6-7 and part of exon 8 (c.817-414_1088del) of the KCNQ2 gene. It is expected to disrupt RNA splicing and likely results in an absent or disrupted protein product. This variant is not present in population databases (ExAC no frequency).

Literature cited by the submitters: PubMed 14534157; PubMed 23692823; PubMed 25951140; PubMed 25959266; PubMed 26758118; PubMed 27779742.